The following is an entry in ClinVar:

NM_000532.5(PCCB):c.544-2A>G

Gene: PCCB (propionyl-CoA carboxylase subunit beta; plus strand). Cytogenetic location: 3q22.3.
Variant type: single nucleotide variant.
Coding change: c.544-2A>G on transcript NM_000532.5 (MANE Select); the canonical splice acceptor site of the intron before coding-DNA position 544, A replaced by G.
Molecular consequence: splice acceptor variant.
Genome position (GRCh38, 1-based): chr3:136,283,835, A>G. VCF-style: chr3-136283835-A-G. GRCh37 (hg19) VCF-style: chr3-136002677-A-G.
Other names: c.604-2A>G (NM_001178014.2).
Identifiers: ClinVar variation 556364 (VCV000556364.11), dbSNP rs752377212, ClinGen allele CA2631777.
Genomic context (GRCh38, chr3:136,283,835, plus strand): 5'-TTCCACAGATAATGCCTCAAACATCTCTGTAACCAGATGCTTTTGCTTTTCTGTTTTGGC[A>G]GAGGAATGTTACGGCATCCGGAGTCATCCCTCAGATTTCTCTGATCATGGGCCCATGTGC-3'

ClinVar aggregate classification (germline): Likely pathogenic. Review status: criteria provided, multiple submitters, no conflicts (2 of 4 stars). 5 submissions from 5 submitters: Likely pathogenic (4). 1 of the submissions does not count toward it. Last evaluated 2026-01-02.

Conditions:
Propionic acidemia (PROP). Also called: GLYCINEMIA, KETOTIC; HYPERGLYCINEMIA WITH KETOACIDOSIS AND LEUKOPENIA; KETOTIC HYPERGLYCINEMIA. Identifiers: Orphanet 35, MedGen C0268579, MONDO:0011628, OMIM 606054, HP:0003571.

Allele frequency attached by ClinVar (database versions not stated): gnomAD exomes below 0.00001; TOPMed below 0.00001; ExAC 0.00001; gnomAD 0.00001.
gnomAD v4.1: 4 of 1,602,030 alleles (0.00025%); highest among the groups gnomAD compares: African/African-American, 0.0013%; no homozygotes.

Submissions (5):

Labcorp Genetics (formerly Invitae), Labcorp
Classification: Likely pathogenic for Propionic acidemia. Last evaluated: 2026-01-02. Review status: criteria provided, single submitter. Criteria: Invitae Variant Classification Sherloc (09022015). Collection method: clinical testing. Allele origin: germline.
Comment: This sequence change affects an acceptor splice site in intron 5 of the PCCB gene. It is expected to disrupt RNA splicing. Variants that disrupt the donor or acceptor splice site typically lead to a loss of protein function (PMID: 16199547), and loss-of-function variants in PCCB are known to be pathogenic (PMID: 15464417). This variant is present in population databases (rs752377212, gnomAD 0.007%). This variant has not been reported in the literature in individuals affected with PCCB-related conditions. ClinVar contains an entry for this variant (Variation ID: 556364). Algorithms developed to predict the effect of sequence changes on RNA splicing suggest that this variant may disrupt the consensus splice site. In summary, the currently available evidence indicates that the variant is pathogenic, but additional data are needed to prove that conclusively. Therefore, this variant has been classified as Likely Pathogenic.

Natera, Inc.
Classification: Likely pathogenic for Propionic acidemia. Last evaluated: 2024-07-03. Review status: criteria provided, single submitter. Criteria: Natera Variant Classification Schema (03/2026). Collection method: clinical testing. Allele origin: germline.
Comment: The c.544-2A>G variant in PCCB is a canonical splice acceptor site variant predicted to affect pre-mRNA splicing, which may result in an abnormal transcript and altered protein product. This variant is expected to result in nonsense mediated decay, truncation, or a dysfunctional protein product. This variant is rare in the general population with a frequency below the threshold expected for the associated phenotype(s). Given the available evidence, this variant is classified as Likely Pathogenic.

Fulgent Genetics
Classification: Likely pathogenic for Propionic acidemia. Last evaluated: 2024-04-16. Review status: criteria provided, single submitter. Criteria: ACMG Guidelines, 2015. Collection method: clinical testing. Allele origin: germline.

Baylor Genetics
Classification: Likely pathogenic for Propionic acidemia. Last evaluated: 2023-05-16. Review status: criteria provided, single submitter. Criteria: ACMG Guidelines, 2015. Collection method: clinical testing. Allele origin: unknown.

Counsyl
Classification: Likely pathogenic for Propionic acidemia. Last evaluated: 2018-01-25. Review status: no assertion criteria provided. Collection method: clinical testing. Allele origin: unknown. Not counted in ClinVar's aggregate classification.

Literature cited by the submitters: PubMed 16199547 (cited by Labcorp Genetics (formerly Invitae), Labcorp); PubMed 15464417 (cited by Labcorp Genetics (formerly Invitae), Labcorp).